The following is an entry in ClinVar:

NM_000143.4(FH):c.456T>C (p.Asn152=)

Gene: FH (fumarate hydratase; minus strand). Cytogenetic location: 1q43.
Variant type: single nucleotide variant.
Coding change: c.456T>C on transcript NM_000143.4 (MANE Select); coding-DNA position 456, T replaced by C.
Protein change: p.Asn152=; no amino-acid change (asparagine 152 retained).
Molecular consequence: synonymous variant.
Genome position (GRCh38, 1-based): chr1:241,512,066, A>G on the plus strand (T>C on the coding strand, the complement: FH is on the minus strand). VCF-style: chr1-241512066-A-G. GRCh37 (hg19) VCF-style: chr1-241675366-A-G.
Identifiers: ClinVar variation 230125 (VCV000230125.15), dbSNP rs876658403, ClinGen allele CA10577687.

ClinVar aggregate classification (germline): Benign/Likely benign. Review status: criteria provided, multiple submitters, no conflicts (2 of 4 stars). 3 submissions from 3 submitters: Benign (1); Likely benign (2). Last evaluated 2025-11-25.

Conditions:
Hereditary cancer-predisposing syndrome. Also called: Neoplastic Syndromes, Hereditary; Hereditary neoplastic syndrome; Hereditary Cancer Syndrome; Tumor predisposition. Identifiers: Orphanet 140162, MedGen C0027672, MeSH D009386, MONDO:0015356.
Hereditary leiomyomatosis and renal cell cancer. Also called: LEIOMYOMA, MULTIPLE CUTANEOUS; Reed syndrome; Multiple cutaneous and uterine leiomyomatosis; Cutaneous leiomyomata with uterine leiomyomata; Leiomyoma, hereditary multiple, of skin; Multiple cutaneous and uterine leiomyomata. Identifiers: Orphanet 523, MedGen C1708350, MONDO:0007888, OMIM 150800, HP:0007437. Disease mechanism: loss of function.

Allele frequency attached by ClinVar (database versions not stated): gnomAD exomes below 0.00001; TOPMed below 0.00001; gnomAD 0.00001.
gnomAD v4.1: 4 of 1,613,860 alleles (0.00025%); highest among the groups gnomAD compares: African/African-American, 0.0053%; no homozygotes.

Submissions (3):

Labcorp Genetics (formerly Invitae), Labcorp
Classification: Likely benign. Last evaluated: 2025-11-25. Review status: criteria provided, single submitter. Criteria: Invitae Variant Classification Sherloc (09022015). Collection method: clinical testing. Allele origin: germline.

Myriad Genetics, Inc.
Classification: Benign for Hereditary leiomyomatosis and renal cell cancer. Last evaluated: 2024-10-18. Review status: criteria provided, single submitter. Criteria: Myriad Autosomal Dominant, Autosomal Recessive and X-Linked Classification Criteria (2023). Collection method: clinical testing. Allele origin: unknown.
Comment: This variant is considered benign. This variant is a silent/synonymous amino acid change and it is not expected to impact splicing.

Ambry Genetics
Classification: Likely benign for Hereditary cancer-predisposing syndrome. Last evaluated: 2015-01-22. Review status: criteria provided, single submitter. Criteria: Ambry Variant Classification Scheme 2023. Collection method: clinical testing. Allele origin: germline.